The following is an entry in ClinVar:

ClinVar aggregate classification (germline): Uncertain significance (1 of 4 stars; one submission).

Conditions:
Alagille syndrome due to a JAG1 point mutation. Also called: JAG1-Related Alagille Syndrome; HEPATIC DUCTULAR HYPOPLASIA, SYNDROMATIC; Alagille Syndrome 1. Identifiers: Orphanet 261619, Orphanet 52, MedGen C1956125, MONDO:0016862, OMIM 118450.

Submissions (2):

Labcorp Genetics (formerly Invitae), Labcorp
Classification: Uncertain significance for Alagille syndrome due to a JAG1 point mutation. Last evaluated: 2022-06-15. Review status: criteria provided, single submitter. Criteria: Invitae Variant Classification Sherloc (09022015). Collection method: clinical testing. Allele origin: germline.
Comment: In summary, the available evidence is currently insufficient to determine the role of this variant in disease. Therefore, it has been classified as a Variant of Uncertain Significance. Advanced modeling of protein sequence and biophysical properties (such as structural, functional, and spatial information, amino acid conservation, physicochemical variation, residue mobility, and thermodynamic stability) performed at Invitae indicates that this missense variant is expected to disrupt JAG1 protein function. This variant has not been reported in the literature in individuals affected with JAG1-related conditions. This variant is not present in population databases (gnomAD no frequency). This sequence change replaces tryptophan, which is neutral and slightly polar, with cysteine, which is neutral and slightly polar, at codon 257 of the JAG1 protein (p.Trp257Cys).

Gilbert/Spinner Lab, Children's Hospital of Philadelphia
No classification provided (evidence only). Condition: Alagille syndrome. Review status: no classification provided. Collection method: research. Allele origin: not applicable. Functional consequence: functionally_abnormal. Not counted in ClinVar's aggregate classification.
ClinVar note: "not provided" was previously submitted as the classification for the variant. However, the classification appeared to be based only on an observation of functional data so it was converted to no classification on 2025-07-30.

NM_000214.3(JAG1):c.771G>T (p.Trp257Cys)

Gene: JAG1 (jagged canonical Notch ligand 1; minus strand). Cytogenetic location: 20p12.2.
Variant type: single nucleotide variant.
Coding change: c.771G>T on transcript NM_000214.3 (MANE Select); coding-DNA position 771, G replaced by T.
Protein change: p.Trp257Cys; replaces tryptophan 257 with cysteine.
Molecular consequence: missense variant.
Genome position (GRCh38, 1-based): chr20:10,652,583, C>A on the plus strand (G>T on the coding strand, the complement: JAG1 is on the minus strand). VCF-style: chr20-10652583-C-A. GRCh37 (hg19) VCF-style: chr20-10633231-C-A.
Other names: short protein forms W257C.
Identifiers: ClinVar variation 2007061 (VCV002007061.6), dbSNP rs868134621, ClinGen allele CA408239457.
Genomic context (GRCh38, chr20:10,652,583, plus strand): 5'-ATTACAGATGCCGTGGACGCATCCCGGGTGTGGGATGCACTTATCACAGTACAGGCCTTG[C>A]CAGCCGTACTGGCACCTGGAGACACACAGCACACCTCCAGGTTAGCCTTTTGAACGTTAA-3'
Protein context (NP_000205.1, residues 247-267): LPGDCRCQYG[Trp257Cys]QGLYCDKCIP